The following is an entry in ClinVar:

NM_002439.5(MSH3):c.1173G>A (p.Val391=)

Gene: MSH3 (mutS homolog 3; plus strand). Cytogenetic location: 5q14.1.
Variant type: single nucleotide variant.
Coding change: c.1173G>A on transcript NM_002439.5 (MANE Select); coding-DNA position 1173, G replaced by A.
Protein change: p.Val391=; no amino-acid change (valine 391 retained).
Molecular consequence: synonymous variant.
Genome position (GRCh38, 1-based): chr5:80,675,128, G>A. VCF-style: chr5-80675128-G-A. GRCh37 (hg19) VCF-style: chr5-79970947-G-A.
Other names: c.1173G>A (NM_002439.3).
Identifiers: ClinVar variation 647843 (VCV000647843.9), dbSNP rs1580553882, ClinGen allele CA445159973.

ClinVar aggregate classification (germline): Uncertain significance. Review status: criteria provided, multiple submitters, no conflicts (2 of 4 stars). 2 submissions from 2 submitters: Uncertain significance (2). Last evaluated 2025-09-15.

Conditions:
Hereditary cancer-predisposing syndrome. Also called: Hereditary Cancer Syndrome; Tumor predisposition; Hereditary neoplastic syndrome; Neoplastic Syndromes, Hereditary. Identifiers: Orphanet 140162, MedGen C0027672, MeSH D009386, MONDO:0015356.

Submissions (2):

Ambry Genetics
Classification: Uncertain significance for Hereditary cancer-predisposing syndrome. Last evaluated: 2025-09-15. Review status: criteria provided, single submitter. Criteria: Ambry Variant Classification Scheme 2023. Collection method: clinical testing. Allele origin: germline.
Comment: The c.1173G>A variant (also known as p.V391V), located in coding exon 7 of the MSH3 gene, results from a G to A substitution at nucleotide position 1173. This nucleotide substitution does not change the amino acid at codon 391. However, this change occurs in the last base pair of coding exon 7, which makes it likely to have some effect on normal mRNA splicing. This nucleotide position is highly conserved in available vertebrate species. In silico splice site analysis for this alteration is inconclusive. Based on the available evidence, the clinical significance of this variant remains unclear.

Labcorp Genetics (formerly Invitae), Labcorp
Classification: Uncertain significance. Last evaluated: 2021-08-27. Review status: criteria provided, single submitter. Criteria: Invitae Variant Classification Sherloc (09022015). Collection method: clinical testing. Allele origin: germline.
Comment: In summary, the available evidence is currently insufficient to determine the role of this variant in disease. Therefore, it has been classified as a Variant of Uncertain Significance. Nucleotide substitutions within the consensus splice site are a relatively common cause of aberrant splicing (PMID: 17576681, 9536098). Algorithms developed to predict the effect of sequence changes on RNA splicing suggest that this variant may disrupt the consensus splice site, but this prediction has not been confirmed by published transcriptional studies. This variant has not been reported in the literature in individuals with MSH3-related conditions. This variant is not present in population databases (ExAC no frequency). This sequence change affects codon 391 of the MSH3 mRNA. It is a 'silent' change, meaning that it does not change the encoded amino acid sequence of the MSH3 protein. This variant also falls at the last nucleotide of exon 7 of the MSH3 coding sequence, which is part of the consensus splice site for this exon.

Literature cited by the submitters: PubMed 17576681 (cited by Labcorp Genetics (formerly Invitae), Labcorp); PubMed 9536098 (cited by Labcorp Genetics (formerly Invitae), Labcorp).